The following is an entry in ClinVar:

ClinVar aggregate classification (germline): Uncertain significance (1 of 4 stars; one submission).

Conditions:
PHGDH deficiency. Identifiers: Orphanet 79351, MedGen C1866174, MONDO:0011152, OMIM 601815.

Allele frequency attached by ClinVar (database versions not stated): gnomAD exomes below 0.00001 and 0.00001; TOPMed below 0.00001; ExAC 0.00002; gnomAD 0.00002; ESP Exome Variant Server 0.00008.
gnomAD v4.1: 7 of 1,614,024 alleles (0.00043%); highest among the groups gnomAD compares: African/African-American, 0.008%; no homozygotes.

Submission:

Labcorp Genetics (formerly Invitae), Labcorp
Classification: Uncertain significance for PHGDH deficiency. Last evaluated: 2022-05-28. Review status: criteria provided, single submitter. Criteria: Invitae Variant Classification Sherloc (09022015). Collection method: clinical testing. Allele origin: germline.
Comment: This sequence change replaces arginine, which is basic and polar, with serine, which is neutral and polar, at codon 454 of the PHGDH protein (p.Arg454Ser). This variant is present in population databases (rs140457132, gnomAD 0.01%). This variant has not been reported in the literature in individuals affected with PHGDH-related conditions. ClinVar contains an entry for this variant (Variation ID: 1385829). Algorithms developed to predict the effect of missense changes on protein structure and function are either unavailable or do not agree on the potential impact of this missense change (SIFT: "Deleterious"; PolyPhen-2: "Benign"; Align-GVGD: "Class C0"). In summary, the available evidence is currently insufficient to determine the role of this variant in disease. Therefore, it has been classified as a Variant of Uncertain Significance.

NM_006623.4(PHGDH):c.1362G>T (p.Arg454Ser)

Gene: PHGDH (phosphoglycerate dehydrogenase; plus strand). Cytogenetic location: 1p12.
Variant type: single nucleotide variant.
Coding change: c.1362G>T on transcript NM_006623.4 (MANE Select); coding-DNA position 1362, G replaced by T.
Protein change: p.Arg454Ser; replaces arginine 454 with serine.
Molecular consequence: missense variant.
Genome position (GRCh38, 1-based): chr1:119,742,959, G>T. VCF-style: chr1-119742959-G-T. GRCh37 (hg19) VCF-style: chr1-120285582-G-T.
Other names: short protein forms R454S.
Identifiers: ClinVar variation 1385829 (VCV001385829.5), dbSNP rs140457132, ClinGen allele CA1037440.